The following is an entry in ClinVar:

ClinVar aggregate classification (germline): Likely benign (1 of 4 stars; one submission).

Allele frequency attached by ClinVar (database versions not stated): 1000 Genomes Project 0.00020; 1000 Genomes Project 30x 0.00031; gnomAD exomes 0.00006; ExAC 0.00014; TOPMed 0.00001; gnomAD 0.00003.
gnomAD v4.1: 92 of 1,614,024 alleles (0.0057%); highest among the groups gnomAD compares: South Asian, 0.097%; 3 homozygotes.

Submission:

CeGaT Center for Human Genetics Tuebingen
Classification: Likely benign. Last evaluated: 2023-02-01. Review status: criteria provided, single submitter. Criteria: CeGaT Center For Human Genetics Tuebingen Variant Classification Criteria Version 2. Collection method: clinical testing. Allele origin: germline. Affected: yes. Observed: 1 variant allele.
Comment: NUP88: BP4, BP7

NM_002532.6(NUP88):c.1617T>C (p.Arg539=)

Gene: NUP88 (nucleoporin 88; minus strand). Cytogenetic location: 17p13.2.
Variant type: single nucleotide variant.
Coding change: c.1617T>C on transcript NM_002532.6 (MANE Select); coding-DNA position 1617, T replaced by C.
Protein change: p.Arg539=; no amino-acid change (arginine 539 retained).
Molecular consequence: synonymous variant.
Genome position (GRCh38, 1-based): chr17:5,388,828, A>G on the plus strand (T>C on the coding strand, the complement: NUP88 is on the minus strand). VCF-style: chr17-5388828-A-G. GRCh37 (hg19) VCF-style: chr17-5292148-A-G.
Other names: c.1617T>C, p.Arg539= (NM_001320653.2).
Identifiers: ClinVar variation 2647298 (VCV002647298.24), dbSNP rs573923109, ClinGen allele CA8324207.
Genomic context (GRCh38, chr17:5,388,828, plus strand): 5'-CATTCATAAAACCGCTATGCCCAAGGTTGCATACTTCAAAAATGCTGGATTGGCAACACT[A>G]CGTTGCAAAATGCTTCTAATATGCTTTTCAAAGGAATCTGGGGTTTCAGCCAGAACACGG-3'
Protein context (NP_002523.2, residues 529-549): FEKHIRSILQ[Arg539=]SVANPAFLKA